The following is an entry in ClinVar:

ClinVar aggregate classification (germline): Pathogenic (1 of 4 stars; one submission).

Conditions:
Spastic paraplegia. Identifiers: MedGen C0037772, HP:0001258.

Submission:

Labcorp Genetics (formerly Invitae), Labcorp
Classification: Pathogenic for Spastic paraplegia. Last evaluated: 2023-10-06. Review status: criteria provided, single submitter. Criteria: Invitae Variant Classification Sherloc (09022015). Collection method: clinical testing. Allele origin: germline.
Comment: This sequence change creates a premature translational stop signal (p.Gly336*) in the CYP7B1 gene. It is expected to result in an absent or disrupted protein product. Loss-of-function variants in CYP7B1 are known to be pathogenic (PMID: 9802883, 19363635, 19439420, 21541746, 21567895, 28039895). This variant is not present in population databases (gnomAD no frequency). This variant has not been reported in the literature in individuals affected with CYP7B1-related conditions. Algorithms developed to predict the effect of sequence changes on RNA splicing suggest that this variant may disrupt the consensus splice site. For these reasons, this variant has been classified as Pathogenic.

Literature cited by the submitters: PubMed 9802883; PubMed 19363635; PubMed 19439420; PubMed 21541746; PubMed 21567895; PubMed 28039895.

NM_004820.5(CYP7B1):c.1006G>T (p.Gly336Ter)

Gene: CYP7B1 (cytochrome P450 family 7 subfamily B member 1; minus strand). Cytogenetic location: 8q12.3.
Variant type: single nucleotide variant.
Coding change: c.1006G>T on transcript NM_004820.5 (MANE Select); coding-DNA position 1006, G replaced by T.
Protein change: p.Gly336Ter; replaces glycine 336 with a stop codon.
Molecular consequence: nonsense.
Genome position (GRCh38, 1-based): chr8:64,615,077, C>A on the plus strand (G>T on the coding strand, the complement: CYP7B1 is on the minus strand). VCF-style: chr8-64615077-C-A. GRCh37 (hg19) VCF-style: chr8-65527634-C-A.
Other names: c.1006G>T, p.Gly336Ter (NM_001324112.2); short protein forms G336*.
Identifiers: ClinVar variation 2766272 (VCV002766272.3), dbSNP rs779409818, ClinGen allele CA371334486.